The following is an entry in ClinVar:

ClinVar aggregate classification (germline): Pathogenic (1 of 4 stars; one submission).

Conditions:
Hereditary cancer-predisposing syndrome. Also called: Neoplastic Syndromes, Hereditary; Tumor predisposition; Hereditary Cancer Syndrome; Hereditary neoplastic syndrome. Identifiers: Orphanet 140162, MedGen C0027672, MeSH D009386, MONDO:0015356.

Submission:

Ambry Genetics
Classification: Pathogenic for Hereditary cancer-predisposing syndrome. Last evaluated: 2026-03-06. Review status: criteria provided, single submitter. Criteria: Ambry Variant Classification Scheme 2023. Collection method: clinical testing. Allele origin: germline.
Comment: The c.1847_1856del10 pathogenic mutation, located in coding exon 14 of the BAP1 gene, results from a deletion of 10 nucleotides at nucleotide positions 1847 to 1856, causing a translational frameshift with a predicted alternate stop codon (p.V616Afs*4). This variant is considered to be rare based on population cohorts in the Genome Aggregation Database (gnomAD). This alteration is expected to result in loss of function by premature protein truncation or nonsense-mediated mRNA decay. As such, this alteration is interpreted as a disease-causing mutation.

NM_004656.4(BAP1):c.1847_1856del (p.Val616fs)

Gene: BAP1 (BRCA1 associated deubiquitinase 1; minus strand). Cytogenetic location: 3p21.1.
Variant type: Deletion.
Coding change: c.1847_1856del on transcript NM_004656.4 (MANE Select); coding-DNA positions 1847 to 1856, 10 bases deleted (TGAGGCCTGG; older notation c.1847_1856delTGAGGCCTGG).
Protein change: p.Val616fs; shifts the reading frame from valine 616.
Molecular consequence: frameshift variant.
Genome position (GRCh38, 1-based): chr3:52,403,172-52,403,181, CCAGGCCTCA deleted on the plus strand (TGAGGCCTGG on the coding strand, the reverse complement: BAP1 is on the minus strand); deleting any 10 consecutive bases within chr3:52,403,172-52,403,184 gives the same sequence; the c. name uses the placement nearest the transcript's 3' end. VCF-style (leftmost placement, unchanged base first): chr3-52403171-GCCAGGCCTCA-G. GRCh37 (hg19) VCF-style: chr3-52437187-GCCAGGCCTCA-G.
Other names: c.1847_1856del10 (NM_004656.2); c.1793_1802del, p.Val598fs (NM_001410772.1); short protein forms V598fs, V616fs.
Identifiers: ClinVar variation 4826567 (VCV004826567.1).